The following is an entry in ClinVar:

NM_030777.4(SLC2A10):c.104C>T (p.Pro35Leu)

Gene: SLC2A10 (solute carrier family 2 member 10; plus strand). Cytogenetic location: 20q13.12.
Variant type: single nucleotide variant.
Coding change: c.104C>T on transcript NM_030777.4 (MANE Select); coding-DNA position 104, C replaced by T.
Protein change: p.Pro35Leu; replaces proline 35 with leucine.
Molecular consequence: missense variant.
Genome position (GRCh38, 1-based): chr20:46,725,140, C>T. VCF-style: chr20-46725140-C-T. GRCh37 (hg19) VCF-style: chr20-45353779-C-T.
Other names: short protein forms P35L.
Identifiers: ClinVar variation 840641 (VCV000840641.7), dbSNP rs758877524, ClinGen allele CA9891913.

ClinVar aggregate classification (germline): Uncertain significance (1 of 4 stars; one submission).

Conditions:
Arterial tortuosity syndrome (ATORS). Identifiers: Orphanet 3342, MedGen C1859726, MONDO:0008818, OMIM 208050.

Allele frequency attached by ClinVar (database versions not stated): gnomAD exomes below 0.00001; ExAC 0.00001.
gnomAD v4.1: 1 of 1,614,236 alleles (0.000062%); highest among the groups gnomAD compares: Non-Finnish European, 0.000085%; no homozygotes.

Submission:

Labcorp Genetics (formerly Invitae), Labcorp
Classification: Uncertain significance for Arterial tortuosity syndrome. Last evaluated: 2021-08-31. Review status: criteria provided, single submitter. Criteria: Invitae Variant Classification Sherloc (09022015). Collection method: clinical testing. Allele origin: germline.
Comment: This sequence change replaces proline with leucine at codon 35 of the SLC2A10 protein (p.Pro35Leu). The proline residue is moderately conserved and there is a moderate physicochemical difference between proline and leucine. This variant is present in population databases (rs758877524, ExAC 0.001%). This variant has not been reported in the literature in individuals affected with SLC2A10-related conditions. Algorithms developed to predict the effect of missense changes on protein structure and function (SIFT, PolyPhen-2, Align-GVGD) all suggest that this variant is likely to be tolerated. In summary, the available evidence is currently insufficient to determine the role of this variant in disease. Therefore, it has been classified as a Variant of Uncertain Significance.